The following is an entry in ClinVar:

ClinVar aggregate classification (germline): Uncertain significance (1 of 4 stars; one submission).

Conditions:
Capillary malformation-arteriovenous malformation syndrome. Also called: Capillary malformation-arteriovenous malformation. Identifiers: Orphanet 137667, MedGen C1842180, MONDO:0012016.

Allele frequency attached by ClinVar (database versions not stated): gnomAD exomes below 0.00001.
gnomAD v4.1: 1 of 1,612,010 alleles (0.000062%); no homozygotes.

Submission:

Labcorp Genetics (formerly Invitae), Labcorp
Classification: Uncertain significance for Capillary malformation-arteriovenous malformation syndrome. Last evaluated: 2023-03-26. Review status: criteria provided, single submitter. Criteria: Invitae Variant Classification Sherloc (09022015). Collection method: clinical testing. Allele origin: germline.
Comment: This variant has not been reported in the literature in individuals affected with RASA1-related conditions. In summary, the available evidence is currently insufficient to determine the role of this variant in disease. Therefore, it has been classified as a Variant of Uncertain Significance. An algorithm developed to predict the effect of missense changes on protein structure and function (PolyPhen-2) suggests that this variant is likely to be tolerated. This variant is not present in population databases (gnomAD no frequency). This sequence change replaces methionine, which is neutral and non-polar, with isoleucine, which is neutral and non-polar, at codon 969 of the RASA1 protein (p.Met969Ile).

NM_002890.3(RASA1):c.2907G>A (p.Met969Ile)

Genes: CCNH (cyclin H; minus strand), RASA1 (RAS p21 protein activator 1; plus strand). Cytogenetic location: 5q14.3.
Variant type: single nucleotide variant.
Coding change: c.2907G>A on transcript NM_002890.3 (MANE Select); coding-DNA position 2907, G replaced by A.
Protein change: p.Met969Ile; replaces methionine 969 with isoleucine.
Molecular consequence: missense variant. On other transcripts: intron variant (1).
Genome position (GRCh38, 1-based): chr5:87,386,885, G>A. VCF-style: chr5-87386885-G-A. GRCh37 (hg19) VCF-style: chr5-86682702-G-A.
Other names: c.2376G>A, p.Met792Ile (NM_022650.3); c.933+8159C>T (NM_001364075.2); short protein forms M792I, M969I.
Identifiers: ClinVar variation 2842059 (VCV002842059.3), dbSNP rs2531385827, ClinGen allele CA360387103.
Genomic context (GRCh38, chr5:87,386,885, plus strand): 5'-GGAGCCCTACATGGAAGGTGTCAATCCATTCATCAAAAGCAACAAACATCGTATGATCAT[G>A]TTTTTAGATGAACTTGGGGTATGTATATAGTTTTCAGGTACTTTTTTTAAGACTTCTAGT-3'
Protein context (NP_002881.1, residues 959-979): FIKSNKHRMI[Met969Ile]FLDELGNVPE